The following is an entry in ClinVar:

NM_000787.4(DBH):c.343G>A (p.Ala115Thr)

Gene: DBH (dopamine beta-hydroxylase; plus strand). Cytogenetic location: 9q34.2.
Variant type: single nucleotide variant.
Coding change: c.343G>A on transcript NM_000787.4 (MANE Select); coding-DNA position 343, G replaced by A.
Protein change: p.Ala115Thr; replaces alanine 115 with threonine.
Molecular consequence: missense variant.
Genome position (GRCh38, 1-based): chr9:133,639,849, G>A. VCF-style: chr9-133639849-G-A. GRCh37 (hg19) VCF-style: chr9-136504971-G-A.
Other names: short protein forms A115T.
Identifiers: ClinVar variation 2081181 (VCV002081181.3), dbSNP rs768803872, ClinGen allele CA5313040.

ClinVar aggregate classification (germline): Uncertain significance (1 of 4 stars; one submission).

Conditions:
Orthostatic hypotension 1 (ORTHYP1). Also called: Orthostatic hypotension 1, due to DBH deficiency; Dopamine beta-hydroxylase deficiency; NORADRENALINE DEFICIENCY; NOREPINEPHRINE DEFICIENCY. Identifiers: Orphanet 230, MedGen C4746777, MONDO:0009123, OMIM 223360.

Allele frequency attached by ClinVar (database versions not stated): TOPMed below 0.00001; ExAC 0.00002.

Submission:

Labcorp Genetics (formerly Invitae), Labcorp
Classification: Uncertain significance for Orthostatic hypotension 1. Last evaluated: 2024-08-29. Review status: criteria provided, single submitter. Criteria: Invitae Variant Classification Sherloc (09022015). Collection method: clinical testing. Allele origin: germline.
Comment: This sequence change replaces alanine, which is neutral and non-polar, with threonine, which is neutral and polar, at codon 115 of the DBH protein (p.Ala115Thr). This variant is present in population databases (rs768803872, gnomAD 0.01%). This variant has not been reported in the literature in individuals affected with DBH-related conditions. ClinVar contains an entry for this variant (Variation ID: 2081181). Invitae Evidence Modeling of protein sequence and biophysical properties (such as structural, functional, and spatial information, amino acid conservation, physicochemical variation, residue mobility, and thermodynamic stability) indicates that this missense variant is not expected to disrupt DBH protein function with a negative predictive value of 80%. In summary, the available evidence is currently insufficient to determine the role of this variant in disease. Therefore, it has been classified as a Variant of Uncertain Significance.